The following is an entry in ClinVar:

ClinVar aggregate classification (germline): Uncertain significance. Review status: criteria provided, multiple submitters, no conflicts (2 of 4 stars). 2 submissions from 2 submitters: Uncertain significance (2). Last evaluated 2025-06-17.

Conditions:
Long QT syndrome (LQTS). Identifiers: MedGen C0023976, MeSH D008133, MONDO:0002442. Disease mechanism: loss of function. Inheritance: Various modes of inheritance.
Cardiovascular phenotype. Identifiers: MedGen CN230736.

gnomAD v4.1: 1 of 1,613,038 alleles (0.000062%); highest among the groups gnomAD compares: Admixed American, 0.0017%; no homozygotes.

Submissions (2):

Labcorp Genetics (formerly Invitae), Labcorp
Classification: Uncertain significance for Long QT syndrome. Last evaluated: 2025-06-17. Review status: criteria provided, single submitter. Criteria: Invitae Variant Classification Sherloc (09022015). Collection method: clinical testing. Allele origin: germline.
Comment: This sequence change replaces leucine, which is neutral and non-polar, with valine, which is neutral and non-polar, at codon 1186 of the AKAP9 protein (p.Leu1186Val). This variant is not present in population databases (gnomAD no frequency). This variant has not been reported in the literature in individuals affected with AKAP9-related conditions. An algorithm developed to predict the effect of missense changes on protein structure and function outputs the following: PolyPhen-2: "Benign". The valine amino acid residue is found in multiple mammalian species, which suggests that this missense change does not adversely affect protein function. In summary, the available evidence is currently insufficient to determine the role of this variant in disease. Therefore, it has been classified as a Variant of Uncertain Significance.

Ambry Genetics
Classification: Uncertain significance for Cardiovascular phenotype. Last evaluated: 2025-04-17. Review status: criteria provided, single submitter. Criteria: Ambry Variant Classification Scheme 2023. Collection method: clinical testing. Allele origin: germline.

NM_005751.5(AKAP9):c.3556C>G (p.Leu1186Val)

Gene: AKAP9 (A-kinase anchoring protein 9; plus strand). Cytogenetic location: 7q21.2.
Variant type: single nucleotide variant.
Coding change: c.3556C>G on transcript NM_005751.5 (MANE Select); coding-DNA position 3556, C replaced by G.
Protein change: p.Leu1186Val; replaces leucine 1186 with valine.
Molecular consequence: missense variant.
Genome position (GRCh38, 1-based): chr7:92,014,272, C>G. VCF-style: chr7-92014272-C-G. GRCh37 (hg19) VCF-style: chr7-91643586-C-G.
Other names: c.3556C>G, p.Leu1186Val (NM_147185.3); short protein forms L1186V.
Identifiers: ClinVar variation 4034680 (VCV004034680.2).